The following is an entry in ClinVar:

NC_012920.1(MT-ND1):m.3497C>T

Gene: MT-ND1 (mitochondrially encoded NADH dehydrogenase 1; plus strand).
Variant type: single nucleotide variant.
Genome position: chrM-3497-C-T.
Identifiers: ClinVar variation 692360 (VCV000692360.1), dbSNP rs200319905, ClinGen allele CA337096558.

ClinVar aggregate classification (germline): Benign (1 of 4 stars; one submission).

Conditions:
Leigh syndrome (NULS). Also called: Leigh's necrotizing encephalopathy; Leigh's disease; Leigh Syndrome (mtDNA deletion); Leigh Disease; Subacute necrotizing encephalopathy; Necrotizing encephalopathy infantile subacute of Leigh. Identifiers: Orphanet 506, MedGen C2931891, MONDO:0009723, OMIM 256000.

Submission:

Wong Mito Lab, Molecular and Human Genetics, Baylor College of Medicine
Classification: Benign for Leigh syndrome. Last evaluated: 2019-10-17. Review status: criteria provided, single submitter. Criteria: Modified ACMG Guidelines (Unpublished). Collection method: clinical testing. Allele origin: germline.
Comment: The NC_012920.1:m.3497C>T (YP_003024026.1:p.Ala64Val) variant in MTND1 gene is interpretated to be a Benign variant based on the modified ACMG guidelines (unpublished). This variant meets the following evidence codes: BS1, BS2

Literature cited by the submitters: PubMed 10520236.